The following is an entry in ClinVar:

NM_007294.4(BRCA1):c.852G>T (p.Gln284His)

Gene: BRCA1 (BRCA1 DNA repair associated; minus strand). Cytogenetic location: 17q21.31.
Variant type: single nucleotide variant.
Coding change: c.852G>T on transcript NM_007294.4 (MANE Select); coding-DNA position 852, G replaced by T.
Protein change: p.Gln284His; replaces glutamine 284 with histidine.
Molecular consequence: missense variant. On other transcripts: 5 prime UTR variant (2), intron variant (137).
Genome position (GRCh38, 1-based): chr17:43,094,679, C>A on the plus strand (G>T on the coding strand, the complement: BRCA1 is on the minus strand). VCF-style: chr17-43094679-C-A. GRCh37 (hg19) VCF-style: chr17-41246696-C-A.
Other names: c.849G>T, p.Gln283His (NM_001407644.1, NM_001407645.1, NM_001407860.1 and 22 more transcripts); c.843G>T, p.Gln281His (NM_001407646.1, NM_001407647.1); c.729G>T, p.Gln243His (NM_001407648.1, NM_001407665.1, NM_001407666.1 and 19 more transcripts); c.726G>T, p.Gln242His (NM_001407649.1, NM_001407670.1, NM_001407671.1 and 11 more transcripts); c.852G>T, p.Gln284His (NM_001407652.1, NM_001407684.1, NM_001407854.1 and 30 more transcripts); c.774G>T, p.Gln258His (NM_001407653.1, NM_001407654.1, NM_001407655.1 and 4 more transcripts); c.711G>T, p.Gln237His (NM_001407692.1, NM_001407729.1, NM_001407730.1 and 29 more transcripts); c.708G>T, p.Gln236His (NM_001407748.1, NM_001407749.1, NM_001407838.1 and 20 more transcripts); and 40 more; short protein forms Q116H, Q156H, Q157H, Q172H, Q173H, Q195H, Q196H, Q213H.
Identifiers: ClinVar variation 3069237 (VCV003069237.1), dbSNP rs1597879571, ClinGen allele CA10600380.
Genomic context (GRCh38, chr17:43,094,679, plus strand): 5'-GAATTCAGCCTTTTCTACATTCATTCTGTCTTTAGTGAGTAATAAACTGCTGTTCTCATG[C>A]TGTAATGAGCTGGCATGAGTATTTGTGCCACATGGCTCCACATGCAAGTTTGAAACAGAA-3'
Protein context (NP_009225.1, residues 274-294): CGTNTHASSL[Gln284His]HENSSLLLTK

ClinVar aggregate classification (germline): Uncertain significance (1 of 4 stars; one submission).

Conditions:
Breast-ovarian cancer, familial, susceptibility to, 1 (BROVCA1). Also called: BRCA1 Hereditary Breast and Ovarian Cancer; OVARIAN CANCER, SUSCEPTIBILITY TO. Identifiers: Orphanet 145, MedGen C2676676, MONDO:0011450, OMIM 604370. Disease mechanism: loss of function.

Submission:

All of Us Research Program, National Institutes of Health
Classification: Uncertain significance for Breast-ovarian cancer, familial, susceptibility to, 1. Last evaluated: 2023-07-19. Review status: criteria provided, single submitter. Criteria: ACMG Guidelines, 2015. Collection method: clinical testing. Allele origin: germline. Inheritance: Autosomal dominant inheritance. Observed: 1 variant allele, 1 heterozygote.
Comment: This missense variant replaces glutamine with histidine at codon 284 of the BRCA1 protein. Computational prediction is inconclusive regarding the impact of this variant on protein structure and function (internally defined REVEL score threshold 0.5 < inconclusive < 0.7, PMID: 27666373). To our knowledge, functional studies have not been reported for this variant. This variant has not been reported in individuals affected with BRCA1-related disorders in the literature. A different nucleotide change, 852G>C, resulting in the same protein missense change has been reported in at least three individuals affected with breast cancer and one unaffected individual (PMID: 30287823, 31759379). This variant has not been identified in the general population by the Genome Aggregation Database (gnomAD). The available evidence is insufficient to determine the role of this variant in disease conclusively. Therefore, this variant is classified as a Variant of Uncertain Significance.

This study involves interpretation of variants in research participants for the purpose of population health screening. Participant phenotype was not available at the time of variant classification. Additional details can be found in publication PMID: 35346344, PMCID: PMC8962531

Literature cited by the submitters: PubMed 30287823; PubMed 31759379.